The following is an entry in ClinVar:

ClinVar aggregate classification (germline): Uncertain significance (1 of 4 stars; one submission).

Submission:

Labcorp Genetics (formerly Invitae), Labcorp
Classification: Uncertain significance. Last evaluated: 2023-04-09. Review status: criteria provided, single submitter. Criteria: Invitae Variant Classification Sherloc (09022015). Collection method: clinical testing. Allele origin: germline.
Comment: This sequence change replaces aspartic acid, which is acidic and polar, with alanine, which is neutral and non-polar, at codon 180 of the MYO6 protein (p.Asp180Ala). This variant is not present in population databases (gnomAD no frequency). This variant has not been reported in the literature in individuals affected with MYO6-related conditions. Advanced modeling of protein sequence and biophysical properties (such as structural, functional, and spatial information, amino acid conservation, physicochemical variation, residue mobility, and thermodynamic stability) performed at Invitae indicates that this missense variant is not expected to disrupt MYO6 protein function. In summary, the available evidence is currently insufficient to determine the role of this variant in disease. Therefore, it has been classified as a Variant of Uncertain Significance.

NM_004999.4(MYO6):c.539A>C (p.Asp180Ala)

Gene: MYO6 (myosin VI; plus strand). Cytogenetic location: 6q14.1.
Variant type: single nucleotide variant.
Coding change: c.539A>C on transcript NM_004999.4 (MANE Select); coding-DNA position 539, A replaced by C.
Protein change: p.Asp180Ala; replaces aspartic acid 180 with alanine.
Molecular consequence: missense variant. On other transcripts: non-coding transcript variant (2).
Genome position (GRCh38, 1-based): chr6:75,835,942, A>C. VCF-style: chr6-75835942-A-C. GRCh37 (hg19) VCF-style: chr6-76545659-A-C.
Other names: c.539A>C, p.Asp180Ala (NM_001300899.2, NM_001368136.1, NM_001368137.1 and 5 more transcripts); short protein forms D180A.
Identifiers: ClinVar variation 2872560 (VCV002872560.3), dbSNP rs2535029775, ClinGen allele CA364769070.
Genomic context (GRCh38, chr6:75,835,942, plus strand): 5'-TATCCTATATTTTAAACAGATACCTGACTGAATCCTATGGAACAGGTCAAGATATTGATG[A>C]CAGAATTGTTGAAGGTATTGCTAATTTTTCAGTTGTTACGCGTGTACTGAAATTAATTTA-3'
Protein context (NP_004990.3, residues 170-190): ESYGTGQDID[Asp180Ala]RIVEANPLLE